The following is an entry in ClinVar:

ClinVar aggregate classification (germline): Uncertain significance (1 of 4 stars; one submission).

Conditions:
Hereditary cancer-predisposing syndrome. Also called: Hereditary neoplastic syndrome; Neoplastic Syndromes, Hereditary; Tumor predisposition; Hereditary Cancer Syndrome. Identifiers: Orphanet 140162, MedGen C0027672, MeSH D009386, MONDO:0015356.

Submission:

Ambry Genetics
Classification: Uncertain significance for Hereditary cancer-predisposing syndrome. Last evaluated: 2025-09-03. Review status: criteria provided, single submitter. Criteria: Ambry Variant Classification Scheme 2023. Collection method: clinical testing. Allele origin: germline.
Comment: The p.T2715N variant (also known as c.8144C>A), located in coding exon 15 of the APC gene, results from a C to A substitution at nucleotide position 8144. The threonine at codon 2715 is replaced by asparagine, an amino acid with similar properties. This amino acid position is conserved. In addition, in silico predictors for this gene do not accurately predict pathogenicity. Based on the available evidence, the clinical significance of this variant remains unclear.

NM_000038.6(APC):c.8144C>A (p.Thr2715Asn)

Gene: APC (APC regulator of Wnt signaling pathway; plus strand). Cytogenetic location: 5q22.2.
Variant type: single nucleotide variant.
Coding change: c.8144C>A on transcript NM_000038.6 (MANE Select); coding-DNA position 8144, C replaced by A.
Protein change: p.Thr2715Asn; replaces threonine 2715 with asparagine.
Molecular consequence: missense variant. On other transcripts: non-coding transcript variant (2).
Genome position (GRCh38, 1-based): chr5:112,843,738, C>A. VCF-style: chr5-112843738-C-A. GRCh37 (hg19) VCF-style: chr5-112179435-C-A.
Other names: c.8144C>A, p.Thr2715Asn (NM_001127510.3, NM_001354895.2, NM_001407450.1); c.8090C>A, p.Thr2697Asn (NM_001127511.3); c.8198C>A, p.Thr2733Asn (NM_001354896.2, NM_001407447.1, NM_001407448.1 and 1 more transcripts); c.8174C>A, p.Thr2725Asn (NM_001354897.2); c.8069C>A, p.Thr2690Asn (NM_001354898.2); c.8060C>A, p.Thr2687Asn (NM_001354899.2); c.8021C>A, p.Thr2674Asn (NM_001354900.2); c.7967C>A, p.Thr2656Asn (NM_001354901.2, NM_001407453.1); and 11 more; short protein forms T2555N, T2586N, T2624N, T2432N, T2632N, T2687N, T2697N, T2705N.
Identifiers: ClinVar variation 4121766 (VCV004121766.1).